The following is an entry in ClinVar:

NM_000642.3(AGL):c.2024_2033del (p.Arg675fs)

Gene: AGL (amylo-alpha-1,6-glucosidase and 4-alpha-glucanotransferase; plus strand). Cytogenetic location: 1p21.2.
Variant type: Deletion.
Coding change: c.2024_2033del on transcript NM_000642.3 (MANE Select); coding-DNA positions 2024 to 2033, 10 bases deleted (GGTTTTACAC; older notation c.2024_2033delGGTTTTACAC).
Protein change: p.Arg675fs; shifts the reading frame from arginine 675.
Molecular consequence: frameshift variant.
Genome position (GRCh38, 1-based): chr1:99,881,314-99,881,323, GGTTTTACAC deleted; deleting any 10 consecutive bases within chr1:99,881,312-99,881,323 gives the same sequence; the c. name uses the placement nearest the transcript's 3' end. VCF-style (leftmost placement, unchanged base first): chr1-99881311-AACGGTTTTAC-A. GRCh37 (hg19) VCF-style: chr1-100346867-AACGGTTTTAC-A.
Other names: c.2024_2033delGGTTTTACAC, p.Arg675Leufs (NM_000028.3, NM_000643.3, NM_000644.3 and 2 more transcripts); c.1976_1985delGGTTTTACAC, p.Arg659Leufs (NM_000646.3); c.1823_1832delGGTTTTACAC, p.Arg608Leufs (NM_001425327.1); c.1820_1829delGGTTTTACAC, p.Arg607Leufs (NM_001425328.1, NM_001425329.1); c.1646_1655delGGTTTTACAC, p.Arg549Leufs (NM_001425332.1); short protein forms R675fs, R659fs.
Identifiers: ClinVar variation 941058 (VCV000941058.9), dbSNP rs1652003965, ClinGen allele CA1139656249.
Genomic context (GRCh38, chr1:99,881,311, plus strand): 5'-GTAATTAAGATGTATCCATGCTAAATTTTACCTTTGTCCAGATTTCAGTGGTTTCTGAAG[AACGGTTTTAC>A]ACTAAGTGGAATCCTGAAGCATTGCCTTCAAACACAGGTGAAGTTAATTTCCAAAGCGGC-3'

ClinVar aggregate classification (germline): Pathogenic/Likely pathogenic. Review status: criteria provided, multiple submitters, no conflicts (2 of 4 stars). 3 submissions from 3 submitters: Pathogenic (1); Likely pathogenic (2). Last evaluated 2023-04-11.

Conditions:
Glycogen storage disease type III (GSD3). Also called: Cori disease; FORBES DISEASE. Identifiers: Orphanet 366, MedGen C0017922, MONDO:0009291, OMIM 232400.

Submissions (3):

Genome-Nilou Lab
Classification: Likely pathogenic for Glycogen storage disease type III. Last evaluated: 2023-04-11. Review status: criteria provided, single submitter. Criteria: ACMG Guidelines, 2015. Collection method: clinical testing. Allele origin: germline. Affected: no.

Fulgent Genetics
Classification: Likely pathogenic for Glycogen storage disease type III. Last evaluated: 2022-04-19. Review status: criteria provided, single submitter. Criteria: ACMG Guidelines, 2015. Collection method: clinical testing. Allele origin: unknown.

Labcorp Genetics (formerly Invitae), Labcorp
Classification: Pathogenic for Glycogen storage disease type III. Last evaluated: 2021-08-04. Review status: criteria provided, single submitter. Criteria: Invitae Variant Classification Sherloc (09022015). Collection method: clinical testing. Allele origin: germline.
Comment: For these reasons, this variant has been classified as Pathogenic. Loss-of-function variants in AGL are known to be pathogenic (PMID: 19299494). This variant has not been reported in the literature in individuals with AGL-related conditions. This variant is not present in population databases (ExAC no frequency). This sequence change creates a premature translational stop signal (p.Arg675Leufs*52) in the AGL gene. It is expected to result in an absent or disrupted protein product.

Literature cited by the submitters: PubMed 19299494 (cited by Labcorp Genetics (formerly Invitae), Labcorp).